The following is an entry in ClinVar:

NM_006361.6(HOXB13):c.125T>A (p.Leu42Gln)

Gene: HOXB13 (homeobox B13; minus strand). Cytogenetic location: 17q21.32.
Variant type: single nucleotide variant.
Coding change: c.125T>A on transcript NM_006361.6 (MANE Select); coding-DNA position 125, T replaced by A.
Protein change: p.Leu42Gln; replaces leucine 42 with glutamine.
Molecular consequence: missense variant.
Genome position (GRCh38, 1-based): chr17:48,728,469, A>T on the plus strand (T>A on the coding strand, the complement: HOXB13 is on the minus strand). VCF-style: chr17-48728469-A-T. GRCh37 (hg19) VCF-style: chr17-46805831-A-T.
Other names: short protein forms L42Q.
Identifiers: ClinVar variation 3858424 (VCV003858424.1).
Genomic context (GRCh38, chr17:48,728,469, plus strand): 5'-TGCTTTGGCGGCTCCGCCGAGCCTGGCAGATCCAAGGGGGCATAGTTGACAGCAGGCATC[A>T]GCGTAGGCGCCGCTGGGTGGCTGGTCAGAGGGGAGTGGGCGACCAGATTCCGCCCCCCTC-3'
Protein context (NP_006352.2, residues 32-52): PLTSHPAAPT[Leu42Gln]MPAVNYAPLD

ClinVar aggregate classification (germline): Uncertain significance (1 of 4 stars; one submission).

Conditions:
Hereditary cancer-predisposing syndrome. Also called: Hereditary neoplastic syndrome; Neoplastic Syndromes, Hereditary; Tumor predisposition; Hereditary Cancer Syndrome. Identifiers: Orphanet 140162, MedGen C0027672, MeSH D009386, MONDO:0015356.

Submission:

Ambry Genetics
Classification: Uncertain significance for Hereditary cancer-predisposing syndrome. Last evaluated: 2024-12-25. Review status: criteria provided, single submitter. Criteria: Ambry Variant Classification Scheme 2023. Collection method: clinical testing. Allele origin: germline.
Comment: The p.L42Q variant (also known as c.125T>A), located in coding exon 1 of the HOXB13 gene, results from a T to A substitution at nucleotide position 125. The leucine at codon 42 is replaced by glutamine, an amino acid with dissimilar properties. This amino acid position is conserved. In addition, the in silico prediction for this alteration is inconclusive. Based on the available evidence, the clinical significance of this variant remains unclear.